The following is an entry in ClinVar:

NM_004937.3(CTNS):c.530A>G (p.Asn177Ser)

Genes: CTNS (cystinosin, lysosomal cystine transporter; plus strand), CTNS-AS1 (CTNS antisense RNA 1; minus strand). Cytogenetic location: 17p13.2.
Variant type: single nucleotide variant.
Coding change: c.530A>G on transcript NM_004937.3 (MANE Select); coding-DNA position 530, A replaced by G.
Protein change: p.Asn177Ser; replaces asparagine 177 with serine.
Molecular consequence: missense variant.
Genome position (GRCh38, 1-based): chr17:3,656,555, A>G. VCF-style: chr17-3656555-A-G. GRCh37 (hg19) VCF-style: chr17-3559849-A-G.
Other names: c.530A>G, p.Asn177Ser (NM_001031681.3, NM_001374492.1); c.89A>G, p.Asn30Ser (NM_001374493.1, NM_001374494.1, NM_001374495.1 and 1 more transcripts); c.530A>G (NM_004937.2); short protein forms N177S, N30S.
Identifiers: ClinVar variation 2681011 (VCV002681011.2), dbSNP rs2507761348, ClinGen allele CA397691358.

ClinVar aggregate classification (germline): Likely pathogenic. Review status: criteria provided, multiple submitters, no conflicts (2 of 4 stars). 2 submissions from 2 submitters: Likely pathogenic (2). Last evaluated 2025-11-12.

Conditions:
Cystinosis. Also called: Cystine diathesis; Cystine storage disease; Cystinoses. Identifiers: Orphanet 213, MedGen C4316899, MONDO:0016239.
Nephropathic cystinosis (CTNS). Also called: CYSTINOSIN, DEFECT OF; LYSOSOMAL CYSTINE TRANSPORT PROTEIN, DEFECT OF; Abderhalden Lignac Kaufmann disease; Abderhalden-Kaufmann-Lignac syndrome. Identifiers: Orphanet 213, Orphanet 411629, MedGen C2931187, MONDO:0100151, OMIM 219800.

Allele frequency attached by ClinVar (database versions not stated): gnomAD exomes below 0.00001.
gnomAD v4.1: 1 of 1,610,222 alleles (0.000062%); highest among the groups gnomAD compares: Non-Finnish European, 0.000085%; no homozygotes.

Submissions (2):

Natera, Inc.
Classification: Likely pathogenic for Cystinosis. Last evaluated: 2025-11-12. Review status: criteria provided, single submitter. Criteria: Natera Variant Classification Schema (03/2026). Collection method: clinical testing. Allele origin: germline.
Comment: The c.530A>G variant in CTNS is a missense variant predicted to cause substitution of asparagine to serine at amino acid 177. This variant is rare in the general population with a frequency below the threshold expected for the associated phenotype(s). This variant has been observed in one or more individuals affected with the associated recessive disease, as either homozygous or compound heterozygous with a second variant (PMID: 19852576). Additionally, this variant has been observed to segregate in affected family members (PMID: 19852576). Computational prediction algorithms indicate this variant is likely to affect gene or protein function. Given the available evidence, this variant is classified as Likely Pathogenic.

Baylor Genetics
Classification: Likely pathogenic for Nephropathic cystinosis. Last evaluated: 2023-08-18. Review status: criteria provided, single submitter. Criteria: ACMG Guidelines, 2015. Collection method: clinical testing. Allele origin: unknown.

Literature cited by the submitters: PubMed 19852576 (cited by Natera, Inc.).